The following is an entry in ClinVar:

ClinVar aggregate classification (germline): Uncertain significance (1 of 4 stars; one submission).

Conditions:
Severe combined immunodeficiency due to DNA-PKcs deficiency. Also called: Immunodeficiency 26 with or without neurologic abnormalities; IMMUNODEFICIENCY 26 WITH NEUROLOGIC ABNORMALITIES. Identifiers: Orphanet 317425, MedGen C4014833, MONDO:0014423, OMIM 615966.

Allele frequency attached by ClinVar (database versions not stated): ExAC 0.00001; gnomAD exomes 0.00001 and 0.00002; TOPMed 0.00001.
gnomAD v4.1: 32 of 1,613,100 alleles (0.002%); highest among the groups gnomAD compares: Non-Finnish European, 0.0025%; no homozygotes.

Submission:

Labcorp Genetics (formerly Invitae), Labcorp
Classification: Uncertain significance for Severe combined immunodeficiency due to DNA-PKcs deficiency. Last evaluated: 2025-11-12. Review status: criteria provided, single submitter. Criteria: Invitae Variant Classification Sherloc (09022015). Collection method: clinical testing. Allele origin: germline.
Comment: This sequence change replaces arginine, which is basic and polar, with cysteine, which is neutral and slightly polar, at codon 2940 of the PRKDC protein (p.Arg2940Cys). This variant is present in population databases (rs756866332, gnomAD 0.002%). This variant has not been reported in the literature in individuals affected with PRKDC-related conditions. ClinVar contains an entry for this variant (Variation ID: 1437538). Invitae Evidence Modeling of protein sequence and biophysical properties (such as structural, functional, and spatial information, amino acid conservation, physicochemical variation, residue mobility, and thermodynamic stability) indicates that this missense variant is expected to disrupt PRKDC protein function with a positive predictive value of 80%. In summary, the available evidence is currently insufficient to determine the role of this variant in disease. Therefore, it has been classified as a Variant of Uncertain Significance.

NM_006904.7(PRKDC):c.8818C>T (p.Arg2940Cys)

Gene: PRKDC (protein kinase, DNA-activated, catalytic subunit; minus strand). Cytogenetic location: 8q11.21.
Variant type: single nucleotide variant.
Coding change: c.8818C>T on transcript NM_006904.7 (MANE Select); coding-DNA position 8818, C replaced by T.
Protein change: p.Arg2940Cys; replaces arginine 2940 with cysteine.
Molecular consequence: missense variant.
Genome position (GRCh38, 1-based): chr8:47,823,962, G>A on the plus strand (C>T on the coding strand, the complement: PRKDC is on the minus strand). VCF-style: chr8-47823962-G-A. GRCh37 (hg19) VCF-style: chr8-48736523-G-A.
Other names: c.8818C>T, p.Arg2940Cys (NM_001081640.2); short protein forms R2940C.
Identifiers: ClinVar variation 1437538 (VCV001437538.4), dbSNP rs756866332, ClinGen allele CA4739716.